The following is an entry in ClinVar:

ClinVar aggregate classification (germline): Benign/Likely benign. Review status: criteria provided, multiple submitters, no conflicts (2 of 4 stars). 2 submissions from 2 submitters: Benign (1); Likely benign (1). Last evaluated 2025-05-15.

Conditions:
Isolated focal non-epidermolytic palmoplantar keratoderma. Also called: Palmoplantar keratoderma, nonepidermolytic, focal 2. Identifiers: Orphanet 448264, MedGen C4225339, MONDO:0014622, OMIM 616400.

Allele frequency attached by ClinVar (database versions not stated): 1000 Genomes Project below 0.00001; gnomAD exomes 0.00001 and 0.00007; ExAC 0.00010; gnomAD 0.00013 and 0.00016; TOPMed 0.00021; ESP Exome Variant Server 0.00038.
gnomAD v4.1: 40 of 1,614,050 alleles (0.0025%); highest among the groups gnomAD compares: African/African-American, 0.043%; no homozygotes.

Submissions (2):

Labcorp Genetics (formerly Invitae), Labcorp
Classification: Likely benign. Last evaluated: 2025-05-15. Review status: criteria provided, single submitter. Criteria: Invitae Variant Classification Sherloc (09022015). Collection method: clinical testing. Allele origin: germline.

Illumina Laboratory Services, Illumina
Classification: Benign for Isolated focal non-epidermolytic palmoplantar keratoderma. Last evaluated: 2018-01-13. Review status: criteria provided, single submitter. Criteria: ICSL Variant Classification Criteria 13 December 2019. Collection method: clinical testing. Allele origin: germline.
Comment: This variant was observed in the ICSL laboratory as part of a predisposition screen in an ostensibly healthy population. It had not been previously curated by ICSL or reported in the Human Gene Mutation Database (HGMD: prior to June 1st, 2018), and was therefore a candidate for classification through an automated scoring system. Utilizing variant allele frequency, disease prevalence and penetrance estimates, and inheritance mode, an automated score was calculated to assess if this variant is too frequent to cause the disease. Based on the score and internal cut-off values, a variant classified as benign is not then subjected to further curation. The score for this variant resulted in a classification of benign for this disease.

NM_145068.4(TRPV3):c.1045G>A (p.Ala349Thr)

Gene: TRPV3 (transient receptor potential cation channel subfamily V member 3; minus strand). Cytogenetic location: 17p13.2.
Variant type: single nucleotide variant.
Coding change: c.1045G>A on transcript NM_145068.4 (MANE Select); coding-DNA position 1045, G replaced by A.
Protein change: p.Ala349Thr; replaces alanine 349 with threonine.
Molecular consequence: missense variant.
Genome position (GRCh38, 1-based): chr17:3,532,677, C>T on the plus strand (G>A on the coding strand, the complement: TRPV3 is on the minus strand). VCF-style: chr17-3532677-C-T. GRCh37 (hg19) VCF-style: chr17-3435971-C-T.
Other names: c.1045G>A, p.Ala349Thr (NM_001258205.2); short protein forms A349T.
Identifiers: ClinVar variation 891147 (VCV000891147.5), dbSNP rs146393183, ClinGen allele CA8289631.